The following is an entry in ClinVar:

ClinVar aggregate classification (germline): Uncertain significance. Review status: criteria provided, multiple submitters, no conflicts (2 of 4 stars). 2 submissions from 2 submitters: Uncertain significance (2). Last evaluated 2022-07-06.

Submissions (2):

Labcorp Genetics (formerly Invitae), Labcorp
Classification: Uncertain significance. Last evaluated: 2022-07-06. Review status: criteria provided, single submitter. Criteria: Invitae Variant Classification Sherloc (09022015). Collection method: clinical testing. Allele origin: germline.
Comment: In summary, the available evidence is currently insufficient to determine the role of this variant in disease. Therefore, it has been classified as a Variant of Uncertain Significance. Algorithms developed to predict the effect of missense changes on protein structure and function output the following: SIFT: "Tolerated"; PolyPhen-2: "Benign"; Align-GVGD: "Class C0". The isoleucine amino acid residue is found in multiple mammalian species, which suggests that this missense change does not adversely affect protein function. ClinVar contains an entry for this variant (Variation ID: 1686771). This variant has not been reported in the literature in individuals affected with CLCN4-related conditions. This variant is not present in population databases (gnomAD no frequency). This sequence change replaces methionine, which is neutral and non-polar, with isoleucine, which is neutral and non-polar, at codon 7 of the CLCN4 protein (p.Met7Ile).

GeneDx
Classification: Uncertain significance. Last evaluated: 2022-05-20. Review status: criteria provided, single submitter. Criteria: GeneDx Variant Classification Process June 2021. Collection method: clinical testing. Allele origin: germline. Affected: yes.
Comment: Not observed in large population cohorts (gnomAD); In silico analysis supports that this missense variant does not alter protein structure/function; Has not been previously published as pathogenic or benign to our knowledge

NM_001830.4(CLCN4):c.21G>A (p.Met7Ile)

Gene: CLCN4 (chloride voltage-gated channel 4; plus strand). Cytogenetic location: Xp22.2.
Variant type: single nucleotide variant.
Coding change: c.21G>A on transcript NM_001830.4 (MANE Select); coding-DNA position 21, G replaced by A.
Protein change: p.Met7Ile; replaces methionine 7 with isoleucine.
Molecular consequence: missense variant. On other transcripts: intron variant (1).
Genome position (GRCh38, 1-based): chrX:10,185,053, G>A. VCF-style: chrX-10185053-G-A. GRCh37 (hg19) VCF-style: chrX-10153093-G-A.
Other names: c.-38-9858G>A (NM_001256944.2); short protein forms M7I.
Identifiers: ClinVar variation 1686771 (VCV001686771.7), dbSNP rs2147167378, ClinGen allele CA412031651.
Genomic context (GRCh38, chrX:10,185,053, plus strand): 5'-TGTCTTTAACGACCGGTTTTCTTGCCCAGGTGTAATTAGCATGGTCAATGCGGGAGCGAT[G>A]AGTGGCTCTGGAAACCTGATGGATTTCCTCGATGAGCCGTTCCCTGATGTGGGGACGTAT-3'
Protein context (NP_001821.2, residues 1-17): MVNAGA[Met7Ile]SGSGNLMDFL